The following is an entry in ClinVar:

ClinVar aggregate classification (germline): Uncertain significance (1 of 4 stars; one submission).

Conditions:
Agammaglobulinemia 2, autosomal recessive (AGM2). Also called: AGAMMAGLOBULINEMIA, AUTOSOMAL RECESSIVE, DUE TO IGLL1 DEFECT. Identifiers: MedGen C3150750, MONDO:0013287, OMIM 613500.

Submission:

Labcorp Genetics (formerly Invitae), Labcorp
Classification: Uncertain significance for Agammaglobulinemia 2, autosomal recessive. Last evaluated: 2022-07-01. Review status: criteria provided, single submitter. Criteria: Invitae Variant Classification Sherloc (09022015). Collection method: clinical testing. Allele origin: germline.
Comment: This variant has not been reported in the literature in individuals affected with IGLL1-related conditions. In summary, the available evidence is currently insufficient to determine the role of this variant in disease. Therefore, it has been classified as a Variant of Uncertain Significance. Algorithms developed to predict the effect of missense changes on protein structure and function (SIFT, PolyPhen-2, Align-GVGD) all suggest that this variant is likely to be tolerated. This variant is not present in population databases (gnomAD no frequency). This sequence change replaces asparagine, which is neutral and polar, with aspartic acid, which is acidic and polar, at codon 19 of the IGLL1 protein (p.Asn19Asp).

NM_020070.4(IGLL1):c.55A>G (p.Asn19Asp)

Gene: IGLL1 (immunoglobulin lambda like polypeptide 1; minus strand). Cytogenetic location: 22q11.23.
Variant type: single nucleotide variant.
Coding change: c.55A>G on transcript NM_020070.4 (MANE Select); coding-DNA position 55, A replaced by G.
Protein change: p.Asn19Asp; replaces asparagine 19 with aspartic acid.
Molecular consequence: missense variant.
Genome position (GRCh38, 1-based): chr22:23,580,136, T>C on the plus strand (A>G on the coding strand, the complement: IGLL1 is on the minus strand). VCF-style: chr22-23580136-T-C. GRCh37 (hg19) VCF-style: chr22-23922323-T-C.
Other names: c.55A>G, p.Asn19Asp (NM_001369906.1, NM_152855.3); short protein forms N19D.
Identifiers: ClinVar variation 2012708 (VCV002012708.4), dbSNP rs1925269232, ClinGen allele CA410899579.